The following is an entry in ClinVar:

NM_004655.4(AXIN2):c.1103C>A (p.Ala368Asp)

Gene: AXIN2 (axin 2; minus strand). Cytogenetic location: 17q24.1.
Variant type: single nucleotide variant.
Coding change: c.1103C>A on transcript NM_004655.4 (MANE Select); coding-DNA position 1103, C replaced by A.
Protein change: p.Ala368Asp; replaces alanine 368 with aspartic acid.
Molecular consequence: missense variant.
Genome position (GRCh38, 1-based): chr17:65,538,300, G>T on the plus strand (C>A on the coding strand, the complement: AXIN2 is on the minus strand). VCF-style: chr17-65538300-G-T. GRCh37 (hg19) VCF-style: chr17-63534418-G-T.
Other names: c.1103C>A, p.Ala368Asp (NM_001363813.1); short protein forms A368D.
Identifiers: ClinVar variation 2850106 (VCV002850106.3), dbSNP rs1480983759, ClinGen allele CA400678463.

ClinVar aggregate classification (germline): Uncertain significance (1 of 4 stars; one submission).

Conditions:
Oligodontia-cancer predisposition syndrome. Also called: TOOTH AGENESIS-COLORECTAL CANCER SYNDROME. Identifiers: Orphanet 300576, MedGen C1837750, MONDO:0012075, OMIM 608615. Disease mechanism: loss of function.

Submission:

Labcorp Genetics (formerly Invitae), Labcorp
Classification: Uncertain significance for Oligodontia-cancer predisposition syndrome. Last evaluated: 2023-03-28. Review status: criteria provided, single submitter. Criteria: Invitae Variant Classification Sherloc (09022015). Collection method: clinical testing. Allele origin: germline.
Comment: This sequence change replaces alanine, which is neutral and non-polar, with aspartic acid, which is acidic and polar, at codon 368 of the AXIN2 protein (p.Ala368Asp). This variant is not present in population databases (gnomAD no frequency). This variant has not been reported in the literature in individuals affected with AXIN2-related conditions. Advanced modeling of protein sequence and biophysical properties (such as structural, functional, and spatial information, amino acid conservation, physicochemical variation, residue mobility, and thermodynamic stability) performed at Invitae indicates that this missense variant is not expected to disrupt AXIN2 protein function. In summary, the available evidence is currently insufficient to determine the role of this variant in disease. Therefore, it has been classified as a Variant of Uncertain Significance.